The following is an entry in ClinVar:

NM_207341.4(ZP1):c.769C>T (p.Gln257Ter)

Gene: ZP1 (zona pellucida glycoprotein 1; plus strand). Cytogenetic location: 11q12.2.
Variant type: single nucleotide variant.
Coding change: c.769C>T on transcript NM_207341.4 (MANE Select); coding-DNA position 769, C replaced by T.
Protein change: p.Gln257Ter; replaces glutamine 257 with a stop codon.
Molecular consequence: nonsense.
Genome position (GRCh38, 1-based): chr11:60,870,418, C>T. VCF-style: chr11-60870418-C-T. GRCh37 (hg19) VCF-style: chr11-60637891-C-T.
Other names: short protein forms Q257*.
Identifiers: ClinVar variation 695115 (VCV000695115.5), dbSNP rs769509601, ClinGen allele CA6027376.
Genomic context (GRCh38, chr11:60,870,418, plus strand): 5'-CAGGTGGCCTCAGGGCACCTCCCCTGCATCGTGAGAAGAACTTCAAAAGAAGCCTGTCAG[C>T]AGGCTGGCTGCTGCTATGACAACACCAGAGAGGTTCCCTGTTACTATGGCAACACAGGTA-3'

ClinVar aggregate classification (germline): Pathogenic. Review status: criteria provided, multiple submitters, no conflicts (2 of 4 stars). 2 submissions from 2 submitters: Pathogenic (2). Last evaluated 2019-11-27.

Conditions:
Oocyte maturation defect 3. Also called: OOCYTE/ZYGOTE/EMBRYO MATURATION ARREST 3. Identifiers: MedGen C4540205, MONDO:0021574, OMIM 617712.
Female infertility due to zona pellucida defect (OOMD). Also called: Oocyte maturation defect 1; OOCYTE/ZYGOTE/EMBRYO MATURATION ARREST 1. Identifiers: Orphanet 404466, MedGen C4014291, MONDO:0014342, OMIM 615774.

Allele frequency attached by ClinVar (database versions not stated): gnomAD exomes below 0.00001; TOPMed below 0.00001; ExAC 0.00001.

Submissions (2):

Center for Reproductive Medicine, University of Science and Technology of China
Classification: Pathogenic for Oocyte maturation defect 3. Last evaluated: 2019-11-27. Review status: criteria provided, single submitter. Criteria: ACMG Guidelines, 2015. Collection method: clinical testing. Allele origin: inherited. Inheritance: Autosomal recessive inheritance. Affected: yes. Observed: 1 homozygote.
Comment: This mutation generated a premature STOP codon and led to a C-terminally truncated ZP1 protein, causing EFS.

Juno Genomics, Hangzhou Juno Genomics, Inc
Classification: Pathogenic for Female infertility due to zona pellucida defect. Review status: criteria provided, single submitter. Criteria: ACMG Guidelines, 2015. Collection method: clinical testing. Allele origin: germline.
Comment: Absent from controls (or at extremely low frequency if recessive) in Genome Aggregation Database.;Null variant in a gene where loss of function (LOF) is a known mechanism of disease.;For recessive disorders, detected in trans with a pathogenic variant.;Patient's phenotype or family history is highly specific for a disease with a single genetic etiology.